The following is an entry in ClinVar:

ClinVar aggregate classification (germline): Uncertain significance (1 of 4 stars; one submission).

Conditions:
Hypertrophic cardiomyopathy. Also called: HYPERTROPHIC MYOCARDIOPATHY. Identifiers: Orphanet 217569, MedGen C0007194, MeSH D002312, MONDO:0005045, HP:0001639.

Allele frequency attached by ClinVar (database versions not stated): gnomAD exomes below 0.00001.
gnomAD v4.1: 1 of 1,614,270 alleles (0.000062%); highest among the groups gnomAD compares: South Asian, 0.0011%; no homozygotes.

Submission:

Labcorp Genetics (formerly Invitae), Labcorp
Classification: Uncertain significance for Hypertrophic cardiomyopathy. Last evaluated: 2021-02-07. Review status: criteria provided, single submitter. Criteria: Invitae Variant Classification Sherloc (09022015). Collection method: clinical testing. Allele origin: germline.
Comment: This variant has not been reported in the literature in individuals with MYH7-related conditions. Algorithms developed to predict the effect of sequence changes on RNA splicing suggest that this variant may create or strengthen a splice site, but this prediction has not been confirmed by published transcriptional studies. In summary, the available evidence is currently insufficient to determine the role of this variant in disease. Therefore, it has been classified as a Variant of Uncertain Significance. This variant is not present in population databases (ExAC no frequency). This sequence change creates a premature translational stop signal (p.Gln1888*) in the MYH7 gene. It is expected to result in an absent or disrupted protein product. However, the current clinical and genetic evidence is not sufficient to establish whether loss-of-function variants in MYH7 cause disease.

NM_000257.4(MYH7):c.5662C>T (p.Gln1888Ter)

Gene: MYH7 (myosin heavy chain 7; minus strand). Cytogenetic location: 14q11.2.
Variant type: single nucleotide variant.
Coding change: c.5662C>T on transcript NM_000257.4 (MANE Select); coding-DNA position 5662, C replaced by T.
Protein change: p.Gln1888Ter; replaces glutamine 1888 with a stop codon.
Molecular consequence: nonsense.
Genome position (GRCh38, 1-based): chr14:23,413,887, G>A on the plus strand (C>T on the coding strand, the complement: MYH7 is on the minus strand). VCF-style: chr14-23413887-G-A. GRCh37 (hg19) VCF-style: chr14-23883096-G-A.
Other names: short protein forms Q1888*.
Identifiers: ClinVar variation 1370515 (VCV001370515.6), dbSNP rs2138635453, ClinGen allele CA389034742.
Genomic context (GRCh38, chr14:23,413,887, plus strand): 5'-CCTCTGCCTCATCCAGCTCGTGCTGCACCTTGCGGAACTTGGACAGGTTGGTGTTGGCTT[G>A]CTCCTCCTGCGGGAGGTGGGAGCATGAGGTGAGAGGGGGCCTGGGTTCTCAGACTCCTGG-3'